The following is an entry in ClinVar:

ClinVar aggregate classification (germline): Uncertain significance (1 of 4 stars; one submission).

Conditions:
Autosomal recessive limb-girdle muscular dystrophy type 2A (LGMDR1). Also called: LEYDEN-MOEBIUS MUSCULAR DYSTROPHY; MUSCULAR DYSTROPHY, PELVOFEMORAL; Limb-girdle muscular dystrophy, type 2A; Calpainopathy; Muscular dystrophy, limb-girdle, type 2A, Amish. Identifiers: Orphanet 267, MedGen C1869123, MONDO:0009675, OMIM 253600. Disease mechanism: loss of function.

Allele frequency attached by ClinVar (database versions not stated): gnomAD 0.00001.
gnomAD v4.1: 2 of 1,594,068 alleles (0.00013%); highest among the groups gnomAD compares: Non-Finnish European, 0.00017%; no homozygotes.

Submission:

Labcorp Genetics (formerly Invitae), Labcorp
Classification: Uncertain significance for Autosomal recessive limb-girdle muscular dystrophy type 2A. Last evaluated: 2023-02-03. Review status: criteria provided, single submitter. Criteria: Invitae Variant Classification Sherloc (09022015). Collection method: clinical testing. Allele origin: germline.
Comment: This variant is not present in population databases (gnomAD no frequency). This sequence change falls in intron 10 of the CAPN3 gene. It does not directly change the encoded amino acid sequence of the CAPN3 protein. It affects a nucleotide within the consensus splice site. This variant has not been reported in the literature in individuals affected with CAPN3-related conditions. Variants that disrupt the consensus splice site are a relatively common cause of aberrant splicing (PMID: 17576681, 9536098). Algorithms developed to predict the effect of sequence changes on RNA splicing suggest that this variant is not likely to affect RNA splicing. In summary, the available evidence is currently insufficient to determine the role of this variant in disease. Therefore, it has been classified as a Variant of Uncertain Significance.

Literature cited by the submitters: PubMed 17576681; PubMed 9536098.

NM_000070.3(CAPN3):c.1354+6A>C

Gene: CAPN3 (calpain 3; plus strand). Cytogenetic location: 15q15.1.
Variant type: single nucleotide variant.
Coding change: c.1354+6A>C on transcript NM_000070.3 (MANE Select); 6 bases into the intron after coding-DNA position 1354, A replaced by C.
Molecular consequence: intron variant.
Genome position (GRCh38, 1-based): chr15:42,399,658, A>C. VCF-style: chr15-42399658-A-C. GRCh37 (hg19) VCF-style: chr15-42691856-A-C.
Other names: c.1354+6A>C (NM_024344.2); c.1210+6A>C (NM_173087.2).
Identifiers: ClinVar variation 2883759 (VCV002883759.3), dbSNP rs1566979542, ClinGen allele CA913997719.